The following is an entry in ClinVar:

ClinVar aggregate classification (germline): Uncertain significance (1 of 4 stars; one submission).

Submission:

Labcorp Genetics (formerly Invitae), Labcorp
Classification: Uncertain significance. Last evaluated: 2022-07-06. Review status: criteria provided, single submitter. Criteria: Invitae Variant Classification Sherloc (09022015). Collection method: clinical testing. Allele origin: germline.
Comment: This sequence change falls in intron 10 of the PEX3 gene. It does not directly change the encoded amino acid sequence of the PEX3 protein. It affects a nucleotide within the consensus splice site. ClinVar contains an entry for this variant (Variation ID: 1382288). In summary, the available evidence is currently insufficient to determine the role of this variant in disease. Therefore, it has been classified as a Variant of Uncertain Significance. Variants that disrupt the consensus splice site are a relatively common cause of aberrant splicing (PMID: 17576681, 9536098). Algorithms developed to predict the effect of sequence changes on RNA splicing suggest that this variant is not likely to affect RNA splicing. This variant has not been reported in the literature in individuals affected with PEX3-related conditions. This variant is not present in population databases (gnomAD no frequency).

Literature cited by the submitters: PubMed 17576681; PubMed 9536098.

NM_003630.3(PEX3):c.941+6A>T

Gene: PEX3 (peroxisomal biogenesis factor 3; plus strand). Cytogenetic location: 6q24.2.
Variant type: single nucleotide variant.
Coding change: c.941+6A>T on transcript NM_003630.3 (MANE Select); 6 bases into the intron after coding-DNA position 941, A replaced by T.
Molecular consequence: intron variant.
Genome position (GRCh38, 1-based): chr6:143,479,204, A>T. VCF-style: chr6-143479204-A-T. GRCh37 (hg19) VCF-style: chr6-143800341-A-T.
Identifiers: ClinVar variation 1382288 (VCV001382288.6), dbSNP rs2128747487, ClinGen allele CA2573140601.